The following is an entry in ClinVar:

ClinVar aggregate classification (germline): Uncertain significance (1 of 4 stars; one submission).

Conditions:
Lazy leukocyte syndrome. Identifiers: Orphanet 652522, MedGen C0272174, MONDO:0007883, OMIM 150550.

Submission:

3billion
Classification: Uncertain significance for Lazy leukocyte syndrome. Last evaluated: 2025-05-27. Review status: criteria provided, single submitter. Criteria: ACMG Guidelines, 2015. Collection method: clinical testing. Allele origin: germline. Affected: yes.
Comment: The variant is observed at an extremely low frequency in the gnomAD v4.1.0 dataset (total allele frequency: <0.001%). Predicted Consequence/Location: Inframe insertion located in a nonrepeat region: predicted to change the length of the protein and disrupt normal protein function. Therefore, this variant is classified as VUS according to the recommendation of ACMG/AMP guideline.

NM_017491.5(WDR1):c.539AGTTCA[3] (p.Phe183_Thr184insLysPhe)

Gene: WDR1 (WD repeat domain 1; minus strand). Cytogenetic location: 4p16.1.
Variant type: Microsatellite.
Coding change: c.539AGTTCA[3] on transcript NM_017491.5 (MANE Select); three copies in a row of the 6-base unit AGTTCA starting at c.539; the reference has two copies in a row; one copy, 6 bases duplicated; also written c.545_550dup.
Protein change: p.Phe183_Thr184insLysPhe.
Molecular consequence: inframe insertion. On other transcripts: intron variant (1).
Genome position (GRCh38, 1-based): chr4:10,097,719-10,097,724, TGAACT duplicated on the plus strand (AGTTCA on the coding strand, the reverse complement: WDR1 is on the minus strand); duplicating any 6 consecutive bases within chr4:10,097,719-10,097,734 gives the same sequence; the position shown is the placement nearest the transcript's 3' end. VCF-style (leftmost placement, unchanged base first): chr4-10097718-G-GTGAACT. GRCh37 (hg19) VCF-style: chr4-10099342-G-GTGAACT.
Other names: c.139-8989AGTTCA[3] (NM_005112.5); c.545_550dup (NM_017491.5).
Identifiers: ClinVar variation 4854869 (VCV004854869.1).